The following is an entry in ClinVar:

NM_005458.8(GABBR2):c.671T>C (p.Ile224Thr)

Genes: GABBR2 (gamma-aminobutyric acid type B receptor subunit 2; minus strand), LOC126860700 (CDK7 strongly-dependent group 2 enhancer GRCh37_chr9:101257622-101258821; plus strand). Cytogenetic location: 9q22.33.
Variant type: single nucleotide variant.
Coding change: c.671T>C on transcript NM_005458.8 (MANE Select); coding-DNA position 671, T replaced by C.
Protein change: p.Ile224Thr; replaces isoleucine 224 with threonine.
Molecular consequence: missense variant.
Genome position (GRCh38, 1-based): chr9:98,496,474, A>G on the plus strand (T>C on the coding strand, the complement: GABBR2 is on the minus strand). VCF-style: chr9-98496474-A-G. GRCh37 (hg19) VCF-style: chr9-101258756-A-G.
Other names: short protein forms I224T.
Identifiers: ClinVar variation 4745017 (VCV004745017.1).

ClinVar aggregate classification (germline): Uncertain significance (1 of 4 stars; one submission).

Conditions:
Epileptic encephalopathy. Identifiers: MedGen C0543888, HP:0200134.

Submission:

Labcorp Genetics (formerly Invitae), Labcorp
Classification: Uncertain significance for Epileptic encephalopathy. Last evaluated: 2025-03-20. Review status: criteria provided, single submitter. Criteria: Invitae Variant Classification Sherloc (09022015). Collection method: clinical testing. Allele origin: germline.
Comment: This sequence change replaces isoleucine, which is neutral and non-polar, with threonine, which is neutral and polar, at codon 224 of the GABBR2 protein (p.Ile224Thr). This variant is not present in population databases (gnomAD no frequency). This variant has not been reported in the literature in individuals affected with GABBR2-related conditions. Invitae Evidence Modeling of protein sequence and biophysical properties (such as structural, functional, and spatial information, amino acid conservation, physicochemical variation, residue mobility, and thermodynamic stability) has been performed for this missense variant. However, the output from this modeling did not meet the statistical confidence thresholds required to predict the impact of this variant on GABBR2 protein function. In summary, the available evidence is currently insufficient to determine the role of this variant in disease. Therefore, it has been classified as a Variant of Uncertain Significance.